The following is an entry in ClinVar:

ClinVar aggregate classification (germline): Uncertain significance. Review status: criteria provided, multiple submitters, no conflicts (2 of 4 stars). 4 submissions from 4 submitters: Uncertain significance (2). 2 of the submissions do not count toward it. Last evaluated 2022-08-31.

Conditions:
Neuronal ceroid lipofuscinosis. Also called: Neuronal Ceroid Lipofuscinoses. Identifiers: Orphanet 216, Orphanet 79263, MedGen C0027877, MONDO:0016295. Disease mechanism: loss of function.

Allele frequency attached by ClinVar (database versions not stated): gnomAD 0.00003 and 0.00004; gnomAD exomes 0.00003 and 0.00002; TOPMed 0.00003; ExAC 0.00001.

Submissions (4):

Labcorp Genetics (formerly Invitae), Labcorp
Classification: Uncertain significance for Neuronal ceroid lipofuscinosis. Last evaluated: 2022-08-31. Review status: criteria provided, single submitter. Criteria: Invitae Variant Classification Sherloc (09022015). Collection method: clinical testing. Allele origin: germline.
Comment: This sequence change replaces methionine, which is neutral and non-polar, with valine, which is neutral and non-polar, at codon 87 of the CLN6 protein (p.Met87Val). This variant is present in population databases (rs532180601, gnomAD 0.006%). This variant has not been reported in the literature in individuals affected with CLN6-related conditions. ClinVar contains an entry for this variant (Variation ID: 316996). Algorithms developed to predict the effect of missense changes on protein structure and function are either unavailable or do not agree on the potential impact of this missense change (SIFT: "Tolerated"; PolyPhen-2: "Probably Damaging"; Align-GVGD: "Class C0"). In summary, the available evidence is currently insufficient to determine the role of this variant in disease. Therefore, it has been classified as a Variant of Uncertain Significance.

Illumina Laboratory Services, Illumina
Classification: Uncertain significance for Neuronal ceroid lipofuscinosis. Last evaluated: 2018-01-13. Review status: criteria provided, single submitter. Criteria: ICSL Variant Classification Criteria 13 December 2019. Collection method: clinical testing. Allele origin: germline.

Clinical Genetics DNA and cytogenetics Diagnostics Lab, Erasmus MC, Erasmus Medical Center
Classification: Uncertain significance. Review status: no assertion criteria provided. Collection method: clinical testing. Allele origin: germline. Affected: yes. Study: VKGL Data-share Consensus. Not counted in ClinVar's aggregate classification.

Joint Genome Diagnostic Labs from Nijmegen and Maastricht, Radboudumc and MUMC+
Classification: Uncertain significance. Review status: no assertion criteria provided. Collection method: clinical testing. Allele origin: germline. Affected: yes. Study: VKGL Data-share Consensus. Not counted in ClinVar's aggregate classification.

NM_017882.3(CLN6):c.259A>G (p.Met87Val)

Gene: CLN6 (CLN6 transmembrane ER protein; minus strand). Cytogenetic location: 15q23.
Variant type: single nucleotide variant.
Coding change: c.259A>G on transcript NM_017882.3 (MANE Select); coding-DNA position 259, A replaced by G.
Protein change: p.Met87Val; replaces methionine 87 with valine.
Molecular consequence: missense variant.
Genome position (GRCh38, 1-based): chr15:68,214,328, T>C on the plus strand (A>G on the coding strand, the complement: CLN6 is on the minus strand). VCF-style: chr15-68214328-T-C. GRCh37 (hg19) VCF-style: chr15-68506666-T-C.
Other names: short protein forms M87V.
Identifiers: ClinVar variation 316996 (VCV000316996.9), dbSNP rs532180601, ClinGen allele CA7630653.